The following is an entry in ClinVar:

NM_000642.3(AGL):c.4482-26del

Gene: AGL (amylo-alpha-1,6-glucosidase and 4-alpha-glucanotransferase; plus strand). Cytogenetic location: 1p21.2.
Variant type: Deletion.
Coding change: c.4482-26del on transcript NM_000642.3 (MANE Select); 26 bases into the intron before coding-DNA position 4482, one base deleted (T; older notation c.4482-26delT).
Molecular consequence: intron variant.
Genome position (GRCh38, 1-based): chr1:99,921,508, T deleted; the last of 3 consecutive T bases (chr1:99,921,506-99,921,508); deleting any one gives the same sequence. VCF-style (leftmost placement, unchanged base first): chr1-99921505-CT-C. GRCh37 (hg19) VCF-style: chr1-100387061-CT-C.
Other names: p.?; c.4482-26del (NM_000643.3, NM_000644.3, NM_001425325.1 and 1 more transcripts); c.4434-26del (NM_000646.3); c.4461-26del (NM_001425326.1); c.4281-26del (NM_001425327.1); c.4278-26del (NM_001425328.1); c.4143-26del (NM_001425329.1); c.4104-26del (NM_001425332.1).
Identifiers: ClinVar variation 4683332 (VCV004683332.1).

ClinVar aggregate classification (germline): Likely benign (1 of 4 stars; one submission).

Submission:

Mayo Clinic Laboratories, Mayo Clinic
Classification: Likely benign. Last evaluated: 2025-04-21. Review status: criteria provided, single submitter. Criteria: ACMG Guidelines, 2015. Collection method: clinical testing. Allele origin: germline. Observed: 1 variant allele.
Comment: BP4, BP7, PM2_supporting